The following is an entry in ClinVar:

NM_003119.3(SPG7):c.1553-?_1779+?del

Gene: SPG7 (SPG7 matrix AAA peptidase subunit, paraplegin; plus strand).
Variant type: Deletion.
Coding change: c.1553-?_1779+?del on transcript NM_003119.3.
Identifiers: ClinVar variation 254070 (VCV000254070.1).

ClinVar aggregate classification (germline): Pathogenic (1 of 4 stars; one submission).

Conditions:
Hereditary spastic paraplegia 7 (SPG7). Also called: Autosomal recessive spastic paraplegia type 7; Spastic paraplegia 7; Hereditary spastic paraplegia Paraplegin type; SPASTIC PARAPLEGIA 7, AUTOSOMAL RECESSIVE, WITH OR WITHOUT CEREBELLAR ATAXIA; SPG7-related neurologic disorder. Identifiers: Orphanet 99013, MedGen C1846564, MONDO:0011803, OMIM 607259.

Submission:

Labcorp Genetics (formerly Invitae), Labcorp
Classification: Pathogenic for Hereditary spastic paraplegia 7. Last evaluated: 2016-02-11. Review status: criteria provided, single submitter. Criteria: Invitae Variant Classification Sherloc (09022015). Collection method: clinical testing. Allele origin: germline.
Comment: This variant is an out-of-frame deletion of the genomic region encompassing exons 12-13 of the SPG7 gene. The precise impact of this deletion on mRNA splicing is unknown, however it is anticipated to result in a truncated protein product. This variant is not present in population databases (ExAC no frequency) and has not been reported in the literature in individuals with a SPG7-related disease. While this particular deletion has not been reported in the literature, loss of function variants in SPG7 are known to be pathogenic (PMID: 14985266, 9635427) and similar deletions have been reported in individuals affected with hereditary spastic paraplegia (PMID: 23065789, 22571692). For these reasons, this variant has been classified as Pathogenic.